The following is an entry in ClinVar:

ClinVar aggregate classification (germline): Uncertain significance. Review status: criteria provided, multiple submitters, no conflicts (2 of 4 stars). 2 submissions from 2 submitters: Uncertain significance (2). Last evaluated 2025-04-02.

Conditions:
Inborn genetic diseases. Identifiers: MedGen C0950123, MeSH D030342.

Allele frequency attached by ClinVar (database versions not stated): gnomAD 0.00001; gnomAD exomes 0.00001; ExAC 0.00002; 1000 Genomes Project 30x 0.00016.
gnomAD v4.1: 11 of 1,594,976 alleles (0.00069%); highest among the groups gnomAD compares: African/African-American, 0.004%; no homozygotes.

Submissions (2):

Ambry Genetics
Classification: Uncertain significance for Inborn genetic diseases. Last evaluated: 2025-04-02. Review status: criteria provided, single submitter. Criteria: Ambry Variant Classification Scheme 2023. Collection method: clinical testing. Allele origin: germline.

Labcorp Genetics (formerly Invitae), Labcorp
Classification: Uncertain significance. Last evaluated: 2022-10-28. Review status: criteria provided, single submitter. Criteria: Invitae Variant Classification Sherloc (09022015). Collection method: clinical testing. Allele origin: germline.
Comment: In summary, the available evidence is currently insufficient to determine the role of this variant in disease. Therefore, it has been classified as a Variant of Uncertain Significance. Advanced modeling of protein sequence and biophysical properties (such as structural, functional, and spatial information, amino acid conservation, physicochemical variation, residue mobility, and thermodynamic stability) performed at Invitae indicates that this missense variant is not expected to disrupt KMT2B protein function. This variant has not been reported in the literature in individuals affected with KMT2B-related conditions. The frequency data for this variant in the population databases is considered unreliable, as metrics indicate poor data quality at this position in the gnomAD database. This sequence change replaces arginine, which is basic and polar, with tryptophan, which is neutral and slightly polar, at codon 1518 of the KMT2B protein (p.Arg1518Trp).

NM_014727.3(KMT2B):c.4552C>T (p.Arg1518Trp)

Gene: KMT2B (lysine methyltransferase 2B; plus strand). Cytogenetic location: 19q13.12.
Variant type: single nucleotide variant.
Coding change: c.4552C>T on transcript NM_014727.3 (MANE Select); coding-DNA position 4552, C replaced by T.
Protein change: p.Arg1518Trp; replaces arginine 1518 with tryptophan.
Molecular consequence: missense variant.
Genome position (GRCh38, 1-based): chr19:35,728,152, C>T. VCF-style: chr19-35728152-C-T. GRCh37 (hg19) VCF-style: chr19-36219053-C-T.
Other names: c.4552C>T (NM_014727.1); short protein forms R1518W.
Identifiers: ClinVar variation 1972385 (VCV001972385.6), dbSNP rs758967458, ClinGen allele CA9385134.